The following is an entry in ClinVar:

ClinVar aggregate classification (germline): Uncertain significance (1 of 4 stars; one submission).

Allele frequency attached by ClinVar (database versions not stated): gnomAD exomes below 0.00001; TOPMed below 0.00001.
gnomAD v4.1: 1 of 1,613,682 alleles (0.000062%); highest among the groups gnomAD compares: Non-Finnish European, 0.000085%; no homozygotes.

Submission:

Labcorp Genetics (formerly Invitae), Labcorp
Classification: Uncertain significance. Last evaluated: 2022-03-08. Review status: criteria provided, single submitter. Criteria: Invitae Variant Classification Sherloc (09022015). Collection method: clinical testing. Allele origin: germline.
Comment: This sequence change replaces valine, which is neutral and non-polar, with alanine, which is neutral and non-polar, at codon 115 of the CSF1R protein (p.Val115Ala). In summary, the available evidence is currently insufficient to determine the role of this variant in disease. Therefore, it has been classified as a Variant of Uncertain Significance. Advanced modeling of protein sequence and biophysical properties (such as structural, functional, and spatial information, amino acid conservation, physicochemical variation, residue mobility, and thermodynamic stability) performed at Invitae indicates that this missense variant is not expected to disrupt CSF1R protein function. This variant has not been reported in the literature in individuals affected with CSF1R-related conditions. This variant is not present in population databases (gnomAD no frequency).

NM_001288705.3(CSF1R):c.344T>C (p.Val115Ala)

Gene: CSF1R (colony stimulating factor 1 receptor; minus strand). Cytogenetic location: 5q32.
Variant type: single nucleotide variant.
Coding change: c.344T>C on transcript NM_001288705.3 (MANE Select); coding-DNA position 344, T replaced by C.
Protein change: p.Val115Ala; replaces valine 115 with alanine.
Molecular consequence: missense variant. On other transcripts: 5 prime UTR variant (1), non-coding transcript variant (2).
Genome position (GRCh38, 1-based): chr5:150,080,300, A>G on the plus strand (T>C on the coding strand, the complement: CSF1R is on the minus strand). VCF-style: chr5-150080300-A-G. GRCh37 (hg19) VCF-style: chr5-149459863-A-G.
Other names: c.344T>C, p.Val115Ala (NM_001349736.2, NM_001375320.1, NM_005211.4); c.-101T>C (NM_001375321.1); short protein forms V115A.
Identifiers: ClinVar variation 1351352 (VCV001351352.6), dbSNP rs1758476977, ClinGen allele CA361734781.